The following is an entry in ClinVar:

NM_016035.5(COQ4):c.44T>C (p.Leu15Pro)

Gene: COQ4 (coenzyme Q4; plus strand). Cytogenetic location: 9q34.11.
Variant type: single nucleotide variant.
Coding change: c.44T>C on transcript NM_016035.5 (MANE Select); coding-DNA position 44, T replaced by C.
Protein change: p.Leu15Pro; replaces leucine 15 with proline.
Molecular consequence: missense variant.
Genome position (GRCh38, 1-based): chr9:128,322,902, T>C. VCF-style: chr9-128322902-T-C. GRCh37 (hg19) VCF-style: chr9-131085181-T-C.
Other names: c.44T>C, p.Leu15Pro (NM_001305942.2); short protein forms L15P.
Identifiers: ClinVar variation 576758 (VCV000576758.1), dbSNP rs879324921, ClinGen allele CA200333232.

ClinVar aggregate classification (germline): Uncertain significance (1 of 4 stars; one submission).

Conditions:
Neonatal encephalomyopathy-cardiomyopathy-respiratory distress syndrome. Also called: Coenzyme Q10 deficiency, primary, 7. Identifiers: Orphanet 457185, MedGen C5568562, MONDO:0014562, OMIM 616276.

Allele frequency attached by ClinVar (database versions not stated): gnomAD exomes below 0.00001; gnomAD 0.00001; TOPMed 0.00001.
gnomAD v4.1: 3 of 1,595,852 alleles (0.00019%); highest among the groups gnomAD compares: Non-Finnish European, 0.00026%; no homozygotes.

Submission:

Labcorp Genetics (formerly Invitae), Labcorp
Classification: Uncertain significance for Coenzyme Q10 deficiency, primary, 7. Last evaluated: 2018-06-21. Review status: criteria provided, single submitter. Criteria: Invitae Variant Classification Sherloc (09022015). Collection method: clinical testing. Allele origin: germline.
Comment: This sequence change replaces leucine with proline at codon 15 of the COQ4 protein (p.Leu15Pro). The leucine residue is weakly conserved and there is a moderate physicochemical difference between leucine and proline. This variant is not present in population databases (ExAC no frequency). This variant has not been reported in the literature in individuals with COQ4-related disease. Algorithms developed to predict the effect of missense changes on protein structure and function (SIFT, PolyPhen-2, Align-GVGD) all suggest that this variant is likely to be tolerated, but these predictions have not been confirmed by published functional studies and their clinical significance is uncertain. In summary, the available evidence is currently insufficient to determine the role of this variant in disease. Therefore, it has been classified as a Variant of Uncertain Significance.